The following is an entry in ClinVar:

ClinVar aggregate classification (germline): Uncertain significance (1 of 4 stars; one submission).

Submission:

Labcorp Genetics (formerly Invitae), Labcorp
Classification: Uncertain significance. Last evaluated: 2025-12-30. Review status: criteria provided, single submitter. Criteria: Invitae Variant Classification Sherloc (09022015). Collection method: clinical testing. Allele origin: germline.
Comment: This sequence change affects codon 12 of the KANK1 mRNA. It is a 'silent' change, meaning that it does not change the encoded amino acid sequence of the KANK1 protein. It affects a nucleotide within the consensus splice site. This variant is not present in population databases (gnomAD no frequency). This variant has not been reported in the literature in individuals affected with KANK1-related conditions. Algorithms developed to predict the effect of sequence changes on RNA splicing suggest that this variant may disrupt the consensus splice site. In summary, the available evidence is currently insufficient to determine the role of this variant in disease. Therefore, it has been classified as a Variant of Uncertain Significance.

NM_015158.5(KANK1):c.36A>G (p.Ser12=)

Genes: KANK1 (KN motif and ankyrin repeat domains 1; plus strand), KANK1-AS1 (KANK1 antisense RNA 1; minus strand). Cytogenetic location: 9p24.3.
Variant type: single nucleotide variant.
Coding change: c.36A>G on transcript NM_015158.5 (MANE Select); coding-DNA position 36, A replaced by G.
Protein change: p.Ser12=; no amino-acid change (serine 12 retained).
Molecular consequence: synonymous variant. On other transcripts: 5 prime UTR variant (1).
Genome position (GRCh38, 1-based): chr9:677,008, A>G. VCF-style: chr9-677008-A-G. GRCh37 (hg19) VCF-style: chr9-677008-A-G.
Other names: c.36A>G, p.Ser12= (NM_001256876.3, NM_001256877.3, NM_001354331.2 and 3 more transcripts); c.-472A>G (NM_001354333.2).
Identifiers: ClinVar variation 4734168 (VCV004734168.1).